The following is an entry in ClinVar:

NM_001283009.2(RTEL1):c.2843T>G (p.Leu948Arg)

Genes: RTEL1 (regulator of telomere elongation helicase 1; plus strand), RTEL1-TNFRSF6B (RTEL1-TNFRSF6B readthrough (NMD candidate); plus strand). Cytogenetic location: 20q13.33.
Variant type: single nucleotide variant.
Coding change: c.2843T>G on transcript NM_001283009.2 (MANE Select); coding-DNA position 2843, T replaced by G.
Protein change: p.Leu948Arg; replaces leucine 948 with arginine.
Molecular consequence: missense variant. On other transcripts: non-coding transcript variant (1).
Genome position (GRCh38, 1-based): chr20:63,692,995, T>G. VCF-style: chr20-63692995-T-G. GRCh37 (hg19) VCF-style: chr20-62324348-T-G.
Other names: c.2174T>G, p.Leu725Arg (NM_001283010.1); c.2843T>G, p.Leu948Arg (NM_016434.4); c.2915T>G, p.Leu972Arg (NM_032957.5); short protein forms L725R, L948R, L972R.
Identifiers: ClinVar variation 3749780 (VCV003749780.2).

ClinVar aggregate classification (germline): Uncertain significance (1 of 4 stars; one submission).

Conditions:
Dyskeratosis congenita, autosomal recessive 5 (DKCB5). Identifiers: MedGen C3554656, MONDO:0014076, OMIM 615190.
Pulmonary fibrosis and/or bone marrow failure, Telomere-related, 3. Also called: PULMONARY FIBROSIS AND/OR BONE MARROW FAILURE SYNDROME, TELOMERE-RELATED, 3. Identifiers: Orphanet 2032, MedGen C4225346, MONDO:0014613, OMIM 616373.

Submission:

Labcorp Genetics (formerly Invitae), Labcorp
Classification: Uncertain significance for Dyskeratosis congenita, autosomal recessive 5; Pulmonary fibrosis and/or bone marrow failure, Telomere-related, 3. Last evaluated: 2025-12-13. Review status: criteria provided, single submitter. Criteria: Invitae Variant Classification Sherloc (09022015). Collection method: clinical testing. Allele origin: germline.
Comment: This sequence change replaces leucine, which is neutral and non-polar, with arginine, which is basic and polar, at codon 948 of the RTEL1 protein (p.Leu948Arg). This variant is not present in population databases (gnomAD no frequency). This variant has not been reported in the literature in individuals affected with RTEL1-related conditions. ClinVar contains an entry for this variant (Variation ID: 3749780). An algorithm developed to predict the effect of missense changes on protein structure and function (PolyPhen-2) suggests that this variant is likely to be disruptive. In summary, the available evidence is currently insufficient to determine the role of this variant in disease. Therefore, it has been classified as a Variant of Uncertain Significance.